The following is an entry in ClinVar:

NM_006662.3(SRCAP):c.755A>T (p.Asn252Ile)

Gene: SRCAP (Snf2 related CREBBP activator protein; plus strand). Cytogenetic location: 16p11.2.
Variant type: single nucleotide variant.
Coding change: c.755A>T on transcript NM_006662.3 (MANE Select); coding-DNA position 755, A replaced by T.
Protein change: p.Asn252Ile; replaces asparagine 252 with isoleucine.
Molecular consequence: missense variant.
Genome position (GRCh38, 1-based): chr16:30,709,634, A>T. VCF-style: chr16-30709634-A-T. GRCh37 (hg19) VCF-style: chr16-30720955-A-T.
Other names: c.755A>T (NM_006662.2); short protein forms N252I.
Identifiers: ClinVar variation 2109625 (VCV002109625.7), dbSNP rs754554712, ClinGen allele CA395602048.
Genomic context (GRCh38, chr16:30,709,634, plus strand): 5'-ATTTGGACTTCATTGTGGGGCAAACTGAAAAGTACTCGGACCTTCTGTCTCAGAGCCTCA[A>T]CCAGCCATTAACCTCCAGCAAAGCAGGCTCTTCCCCTTGCCTCGGCTCTTCCTCAGCTGC-3'
Protein context (NP_006653.2, residues 242-262): KYSDLLSQSL[Asn252Ile]QPLTSSKAGS

ClinVar aggregate classification (germline): Uncertain significance. Review status: criteria provided, multiple submitters, no conflicts (2 of 4 stars). 3 submissions from 3 submitters: Uncertain significance (3). Last evaluated 2026-06-24.

Conditions:
SRCAP-related disorder. Also called: SRCAP-related condition.
Floating-Harbor syndrome (FLHS). Also called: SRCAP-Related Floating-Harbor Syndrome; Short stature with delayed bone age, expressive language delay, a triangular face with a prominent nose and deep-set eyes; Pelletier-Leisti syndrome. Identifiers: Orphanet 2044, MedGen C0729582, MONDO:0007621, OMIM 136140.
Developmental delay, hypotonia, musculoskeletal defects, and behavioral abnormalities. Identifiers: MedGen C5562012, MONDO:0859202, OMIM 619595.

Allele frequency attached by ClinVar (database versions not stated): TOPMed below 0.00001; gnomAD exomes 0.00001.
gnomAD v4.1: 21 of 1,613,622 alleles (0.0013%); highest among the groups gnomAD compares: Non-Finnish European, 0.0015%; no homozygotes.

Submissions (3):

PreventionGenetics, part of Exact Sciences
Classification: Uncertain significance for SRCAP-related condition. Last evaluated: 2026-06-24. Review status: criteria provided, single submitter. Criteria: ACMG Guidelines, 2015. Collection method: clinical testing. Allele origin: germline.
Comment: The SRCAP c.755A>T variant is predicted to result in the amino acid substitution p.Asn252Ile. To our knowledge, this variant has not been reported in the literature or in a large population database (gnomAD), indicating this variant is rare. At this time, the clinical significance of this variant is uncertain due to the absence of conclusive functional and genetic evidence.

Fulgent Genetics
Classification: Uncertain significance for Floating-Harbor syndrome; Developmental delay, hypotonia, musculoskeletal defects, and behavioral abnormalities. Last evaluated: 2023-12-24. Review status: criteria provided, single submitter. Criteria: ACMG Guidelines, 2015. Collection method: clinical testing. Allele origin: germline.

Labcorp Genetics (formerly Invitae), Labcorp
Classification: Uncertain significance. Last evaluated: 2023-09-14. Review status: criteria provided, single submitter. Criteria: Invitae Variant Classification Sherloc (09022015). Collection method: clinical testing. Allele origin: germline.
Comment: This variant has not been reported in the literature in individuals affected with SRCAP-related conditions. In summary, the available evidence is currently insufficient to determine the role of this variant in disease. Therefore, it has been classified as a Variant of Uncertain Significance. Advanced modeling of protein sequence and biophysical properties (such as structural, functional, and spatial information, amino acid conservation, physicochemical variation, residue mobility, and thermodynamic stability) performed at Invitae indicates that this missense variant is not expected to disrupt SRCAP protein function. ClinVar contains an entry for this variant (Variation ID: 2109625). This variant is not present in population databases (gnomAD no frequency). This sequence change replaces asparagine, which is neutral and polar, with isoleucine, which is neutral and non-polar, at codon 252 of the SRCAP protein (p.Asn252Ile).